The following is an entry in ClinVar:

ClinVar aggregate classification (germline): Conflicting classifications of pathogenicity. Review status: criteria provided, conflicting classifications (1 of 4 stars). 4 submissions from 4 submitters: Uncertain significance (3); Benign (1). Last evaluated 2026-08-26.

Conditions:
Cardiovascular phenotype. Identifiers: MedGen CN230736.
Telangiectasia, hereditary hemorrhagic, type 2 (HHT2). Also called: ACVRL1-Related Hereditary Hemorrhagic Telangiectasia; Telangiectasia, hereditary hemorrhagic, type II. Identifiers: Orphanet 774, MedGen C1838163, MONDO:0010880, OMIM 600376. Disease mechanism: loss of function.

Allele frequency attached by ClinVar (database versions not stated): ESP Exome Variant Server 0.00008; TOPMed 0.00009; gnomAD 0.00006; ExAC 0.00008; 1000 Genomes Project 30x 0.00016; 1000 Genomes Project 0.00020.
gnomAD v4.1: 84 of 1,603,482 alleles (0.0052%); highest among the groups gnomAD compares: Admixed American, 0.028%; no homozygotes.

Submissions (4):

GeneDx
Classification: Uncertain significance. Last evaluated: 2026-08-26. Review status: criteria provided, single submitter. Criteria: GeneDx Variant Classification Process June 2021. Collection method: clinical testing. Allele origin: germline.
Comment: Has not been previously published as pathogenic or benign to our knowledge; In silico analysis suggests that this missense variant does not alter protein structure/function

Ambry Genetics
Classification: Benign for Cardiovascular phenotype. Last evaluated: 2025-02-27. Review status: criteria provided, single submitter. Criteria: Ambry Variant Classification Scheme 2023. Collection method: clinical testing. Allele origin: germline.

Fulgent Genetics
Classification: Uncertain significance for Telangiectasia, hereditary hemorrhagic, type 2. Last evaluated: 2021-09-01. Review status: criteria provided, single submitter. Criteria: ACMG Guidelines, 2015. Collection method: clinical testing. Allele origin: unknown.

Breakthrough Genomics
Classification: Uncertain significance. Review status: criteria provided, single submitter. Criteria: ACMG Guidelines, 2015. Collection method: not provided. Allele origin: germline. Inheritance: Autosomal dominant inheritance. Affected: yes.

NM_000020.3(ACVRL1):c.376G>A (p.Val126Met)

Gene: ACVRL1 (activin A receptor like type 1; plus strand). Cytogenetic location: 12q13.13.
Variant type: single nucleotide variant.
Coding change: c.376G>A on transcript NM_000020.3 (MANE Select); coding-DNA position 376, G replaced by A.
Protein change: p.Val126Met; replaces valine 126 with methionine.
Molecular consequence: missense variant.
Genome position (GRCh38, 1-based): chr12:51,913,621, G>A. VCF-style: chr12-51913621-G-A. GRCh37 (hg19) VCF-style: chr12-52307405-G-A.
Other names: c.376G>A, p.Val126Met (NM_001077401.2); short protein forms V126M.
Identifiers: ClinVar variation 385185 (VCV000385185.6), dbSNP rs369146413, ClinGen allele CA6572896.
Genomic context (GRCh38, chr12:51,913,621, plus strand): 5'-ACCCAACCTCCTTCGGAGCAGCCGGGAACAGATGGCCAGCTGGCCCTGATCCTGGGCCCC[G>A]TGCTGGCCTTGCTGGCCCTGGTGGCCCTGGGTGTCCTGGGCCTGTGGCATGTCCGACGGA-3'
Protein context (NP_000011.2, residues 116-136): DGQLALILGP[Val126Met]LALLALVALG